The following is an entry in ClinVar:

NM_001673.5(ASNS):c.79dup (p.Arg27fs)

Genes: ASNS (asparagine synthetase (glutamine-hydrolyzing); minus strand), CZ1P-ASNS (CZ1P-ASNS readthrough; minus strand). Cytogenetic location: 7q21.3.
Variant type: Duplication.
Coding change: c.79dup on transcript NM_001673.5 (MANE Select); coding-DNA position 79, one base duplicated (A; older notation c.79dupA).
Protein change: p.Arg27fs; shifts the reading frame from arginine 27.
Molecular consequence: frameshift variant. On other transcripts: non-coding transcript variant (1), intron variant (2).
Genome position (GRCh38, 1-based): chr7:97,869,078, T duplicated on the plus strand (A on the coding strand, the reverse complement: ASNS is on the minus strand). VCF-style (leftmost placement, unchanged base first): chr7-97869077-C-CT. GRCh37 (hg19) VCF-style: chr7-97498389-C-CT.
Other names: c.16dup, p.Arg6fs (NM_001178075.2); c.79dup, p.Arg27fs (NM_001352496.2, NM_133436.3, NM_183356.4); c.-1+3273dup (NM_001178076.2); c.-1+2963dup (NM_001178077.1); short protein forms R27fs, R6fs.
Identifiers: ClinVar variation 2962440 (VCV002962440.3), dbSNP rs2484698452, ClinGen allele CA2578946988.
Genomic context (GRCh38, chr7:97,869,077, plus strand): 5'-AATCCAAAGCAGCAGTTGGTGTATCCATTGACATTCTCAAAACGGAATGCATCTGGACCT[C>CT]TGTGTGCAATCTTCATAGCACTCAGACACTGAACAGAAAGGCAATCATCACTGCCAAACA-3'

ClinVar aggregate classification (germline): Pathogenic (1 of 4 stars; one submission).

Submission:

Labcorp Genetics (formerly Invitae), Labcorp
Classification: Pathogenic. Last evaluated: 2023-02-09. Review status: criteria provided, single submitter. Criteria: Invitae Variant Classification Sherloc (09022015). Collection method: clinical testing. Allele origin: germline.
Comment: This sequence change creates a premature translational stop signal (p.Arg27Lysfs*9) in the ASNS gene. It is expected to result in an absent or disrupted protein product. Loss-of-function variants in ASNS are known to be pathogenic (PMID: 27422383, 30057589). This variant is not present in population databases (gnomAD no frequency). This variant has not been reported in the literature in individuals affected with ASNS-related conditions. For these reasons, this variant has been classified as Pathogenic.

Literature cited by the submitters: PubMed 27422383; PubMed 30057589.